The following is an entry in ClinVar:

NM_001165963.4(SCN1A):c.1852del (p.Arg618fs)

Gene: SCN1A (sodium voltage-gated channel alpha subunit 1; minus strand). Cytogenetic location: 2q24.3.
Variant type: Deletion.
Coding change: c.1852del on transcript NM_001165963.4 (MANE Select); coding-DNA position 1852, one base deleted (C; older notation c.1852delC).
Protein change: p.Arg618fs; shifts the reading frame from arginine 618.
Molecular consequence: frameshift variant. On other transcripts: 5 prime UTR variant (1), non-coding transcript variant (1).
Genome position (GRCh38, 1-based): chr2:166,043,860, G deleted on the plus strand (C on the coding strand, the reverse complement: SCN1A is on the minus strand). VCF-style (leftmost placement, unchanged base first): chr2-166043859-CG-C. GRCh37 (hg19) VCF-style: chr2-166900369-CG-C.
Other names: c.1852del, p.Arg618fs (NM_001165964.3, NM_001202435.3, NM_001353948.2 and 7 more transcripts); c.1849del, p.Arg617fs (NM_001353954.2, NM_001353955.2, NM_001353960.2); c.-574del (NM_001353961.2); short protein forms R617fs, R618fs.
Identifiers: ClinVar variation 206902 (VCV000206902.5), dbSNP rs796053064, ClinGen allele CA317714.

ClinVar aggregate classification (germline): Pathogenic. Review status: criteria provided, multiple submitters, no conflicts (2 of 4 stars). 2 submissions from 2 submitters: Pathogenic (2). Last evaluated 2022-08-24.

Conditions:
Early-infantile DEE. Also called: Ohtahara syndrome; Early infantile epileptic encephalopathy; Early infantile epileptic encephalopathy with suppression bursts. Identifiers: Orphanet 1934, MedGen C0393706, MONDO:0800491.

Submissions (2):

Labcorp Genetics (formerly Invitae), Labcorp
Classification: Pathogenic for Early-infantile DEE. Last evaluated: 2022-08-24. Review status: criteria provided, single submitter. Criteria: Invitae Variant Classification Sherloc (09022015). Collection method: clinical testing. Allele origin: germline.
Comment: This sequence change creates a premature translational stop signal (p.Arg618Alafs*5) in the SCN1A gene. It is expected to result in an absent or disrupted protein product. Loss-of-function variants in SCN1A are known to be pathogenic (PMID: 17347258, 18930999). This variant is not present in population databases (gnomAD no frequency). For these reasons, this variant has been classified as Pathogenic. ClinVar contains an entry for this variant (Variation ID: 206902). This premature translational stop signal has been observed in individual(s) with clinical features of SCN1A-related conditions (PMID: 29655203, 31864146).

GeneDx
Classification: Pathogenic. Last evaluated: 2014-12-15. Review status: criteria provided, single submitter. Criteria: GeneDx Variant Classification (06012015). Collection method: clinical testing. Allele origin: germline. Affected: yes.
Comment: c.1852delC: p.Arg618AlafsX5 (R618AfsX5) in exon 11 of the SCN1A gene (NM_001165963.1). The normal sequence with the base that is deleted in braces is: GAGA{C}GCAA. The c.1852delC mutation in the SCN1A gene causes a frameshift starting with codon Arginine 618, changes this amino acid to an Alanine residue and creates a premature Stop codon at position 5 of the new reading frame, denoted p.Arg618AlafsX5. This mutation is predicted to cause loss of normal protein function either through protein truncation or nonsense-mediated mRNA decay. Although this mutation has not been previously reported to our knowledge, its presence is consistent with a diagnosis of an SCN1A-related disorder. The variant is found in STAT-EPIV2-1 panel(s).

Literature cited by the submitters: PubMed 17347258 (cited by Labcorp Genetics (formerly Invitae), Labcorp); PubMed 18930999 (cited by Labcorp Genetics (formerly Invitae), Labcorp); PubMed 29655203 (cited by Labcorp Genetics (formerly Invitae), Labcorp); PubMed 31864146 (cited by Labcorp Genetics (formerly Invitae), Labcorp).